The following is an entry in ClinVar:

ClinVar aggregate classification (germline): Uncertain significance (1 of 4 stars; one submission).

Conditions:
Developmental and epileptic encephalopathy, 30 (DEE30). Also called: Epileptic encephalopathy, early infantile, 30. Identifiers: MedGen C4225360, MONDO:0014595, OMIM 616341.

Submission:

Labcorp Genetics (formerly Invitae), Labcorp
Classification: Uncertain significance for Developmental and epileptic encephalopathy, 30. Last evaluated: 2022-11-22. Review status: criteria provided, single submitter. Criteria: Invitae Variant Classification Sherloc (09022015). Collection method: clinical testing. Allele origin: germline.
Comment: This variant is not present in population databases (gnomAD no frequency). This variant has not been reported in the literature in individuals affected with SIK1-related conditions. This sequence change replaces leucine, which is neutral and non-polar, with valine, which is neutral and non-polar, at codon 301 of the SIK1 protein (p.Leu301Val). In summary, the available evidence is currently insufficient to determine the role of this variant in disease. Therefore, it has been classified as a Variant of Uncertain Significance. Advanced modeling of protein sequence and biophysical properties (such as structural, functional, and spatial information, amino acid conservation, physicochemical variation, residue mobility, and thermodynamic stability) performed at Invitae indicates that this missense variant is not expected to disrupt SIK1 protein function.

NM_173354.5(SIK1):c.901C>G (p.Leu301Val)

Gene: SIK1 (salt inducible kinase 1; minus strand). Cytogenetic location: 21q22.3.
Variant type: single nucleotide variant.
Coding change: c.901C>G on transcript NM_173354.5 (MANE Select); coding-DNA position 901, C replaced by G.
Protein change: p.Leu301Val; replaces leucine 301 with valine.
Molecular consequence: missense variant.
Genome position (GRCh38, 1-based): chr21:43,420,305, G>C on the plus strand (C>G on the coding strand, the complement: SIK1 is on the minus strand). VCF-style: chr21-43420305-G-C. GRCh37 (hg19) VCF-style: chr21-44840185-G-C.
Other names: short protein forms L301V.
Identifiers: ClinVar variation 1714423 (VCV001714423.6), dbSNP rs1467859908, ClinGen allele CA410609173.